The following is an entry in ClinVar:

ClinVar aggregate classification (germline): Uncertain significance (1 of 4 stars; one submission).

Conditions:
Inborn genetic diseases. Identifiers: MedGen C0950123, MeSH D030342.

gnomAD v4.1: 17 of 1,614,020 alleles (0.0011%); highest among the groups gnomAD compares: Non-Finnish European, 0.0014%; no homozygotes.

Submission:

Ambry Genetics
Classification: Uncertain significance for Inborn genetic diseases. Last evaluated: 2025-01-25. Review status: criteria provided, single submitter. Criteria: Ambry Variant Classification Scheme 2023. Collection method: clinical testing. Allele origin: germline.
Comment: The p.T526S variant (also known as c.1576A>T), located in coding exon 10 of the NPC1 gene, results from an A to T substitution at nucleotide position 1576. The threonine at codon 526 is replaced by serine, an amino acid with similar properties. This amino acid position is conserved. In addition, the in silico prediction for this alteration is inconclusive. Based on the available evidence, the clinical significance of this variant remains unclear.

NM_000271.5(NPC1):c.1576A>T (p.Thr526Ser)

Gene: NPC1 (NPC intracellular cholesterol transporter 1; minus strand). Cytogenetic location: 18q11.2.
Variant type: single nucleotide variant.
Coding change: c.1576A>T on transcript NM_000271.5 (MANE Select); coding-DNA position 1576, A replaced by T.
Protein change: p.Thr526Ser; replaces threonine 526 with serine.
Molecular consequence: missense variant.
Genome position (GRCh38, 1-based): chr18:23,551,705, T>A on the plus strand (A>T on the coding strand, the complement: NPC1 is on the minus strand). VCF-style: chr18-23551705-T-A. GRCh37 (hg19) VCF-style: chr18-21131669-T-A.
Other names: short protein forms T526S.
Identifiers: ClinVar variation 3880689 (VCV003880689.1).